The following is an entry in ClinVar:

ClinVar aggregate classification (germline): Uncertain significance (1 of 4 stars; one submission).

Allele frequency attached by ClinVar (database versions not stated): gnomAD exomes below 0.00001.
gnomAD v4.1: 1 of 1,197,598 alleles (0.000084%); highest among the groups gnomAD compares: Non-Finnish European, 0.00011%; no homozygotes.

Submission:

GeneDx
Classification: Uncertain significance. Last evaluated: 2021-06-28. Review status: criteria provided, single submitter. Criteria: GeneDx Variant Classification Process June 2021. Collection method: clinical testing. Allele origin: germline. Affected: yes.
Comment: Not observed at significant frequency in large population cohorts (Lek et al., 2016); In silico analysis supports that this missense variant has a deleterious effect on protein structure/function; Has not been previously published as pathogenic or benign to our knowledge; This variant is associated with the following publications: (PMID: 27535533)

NC_000023.11:g.48902935T>C

Genes: PQBP1 (polyglutamine binding protein 1; plus strand), SLC35A2 (solute carrier family 35 member A2; minus strand). Cytogenetic location: Xp11.23.
Variant type: single nucleotide variant.
Molecular consequence: missense variant (on NM_001032382.2).
Genome position: GRCh38 VCF-style: chrX-48902935-T-C. GRCh37 (hg19) VCF-style: chrX-48760212-T-C.
Other names: c.649T>C, p.Trp217Arg (NM_001032381.2, NM_001032382.2, NM_001032383.2 and 2 more transcripts); c.646T>C, p.Trp216Arg (NM_001167989.2); c.625T>C, p.Trp209Arg (NM_001167990.2); c.349T>C, p.Trp117Arg (NM_001167992.1); c.364T>C, p.Trp122Arg (NM_144495.3); short protein forms W117R, W122R, W209R, W216R, W217R.
Identifiers: ClinVar variation 1331131 (VCV001331131.2), dbSNP rs2063450103, ClinGen allele CA412891419.